The following is an entry in ClinVar:

ClinVar aggregate classification (germline): Uncertain significance. Review status: criteria provided, multiple submitters, no conflicts (2 of 4 stars). 3 submissions from 3 submitters: Uncertain significance (3). Last evaluated 2023-12-08.

Conditions:
AHDC1-related intellectual disability - obstructive sleep apnea - mild dysmorphism syndrome. Also called: Xia-Gibbs syndrome. Identifiers: Orphanet 412069, MedGen C4014419, MONDO:0014358, OMIM 615829.

Allele frequency attached by ClinVar (database versions not stated): ExAC 0.00001; gnomAD exomes 0.00001; gnomAD 0.00002; TOPMed 0.00002.
gnomAD v4.1: 22 of 1,612,854 alleles (0.0014%); highest among the groups gnomAD compares: Non-Finnish European, 0.0017%; no homozygotes.

Submissions (3):

Labcorp Genetics (formerly Invitae), Labcorp
Classification: Uncertain significance. Last evaluated: 2023-12-08. Review status: criteria provided, single submitter. Criteria: Invitae Variant Classification Sherloc (09022015). Collection method: clinical testing. Allele origin: germline.
Comment: This sequence change replaces alanine, which is neutral and non-polar, with valine, which is neutral and non-polar, at codon 917 of the AHDC1 protein (p.Ala917Val). This variant is present in population databases (rs199652856, gnomAD 0.002%). This variant has not been reported in the literature in individuals affected with AHDC1-related conditions. ClinVar contains an entry for this variant (Variation ID: 444163). An algorithm developed to predict the effect of missense changes on protein structure and function (PolyPhen-2) suggests that this variant is likely to be tolerated. In summary, the available evidence is currently insufficient to determine the role of this variant in disease. Therefore, it has been classified as a Variant of Uncertain Significance.

Revvity Omics, Revvity
Classification: Uncertain significance for AHDC1-related intellectual disability - obstructive sleep apnea - mild dysmorphism syndrome. Last evaluated: 2021-08-26. Review status: criteria provided, single submitter. Criteria: ACMG Guidelines, 2015. Collection method: clinical testing. Allele origin: germline.

CeGaT Center for Human Genetics Tuebingen
Classification: Uncertain significance. Last evaluated: 2017-05-01. Review status: criteria provided, single submitter. Criteria: CeGaT Center For Human Genetics Tuebingen Variant Classification Criteria Version 2. Collection method: clinical testing. Allele origin: germline. Affected: yes. Observed: 1 variant allele.

NM_001371928.1(AHDC1):c.2750C>T (p.Ala917Val)

Gene: AHDC1 (AT-hook DNA binding motif containing 1; minus strand). Cytogenetic location: 1p36.11.
Variant type: single nucleotide variant.
Coding change: c.2750C>T on transcript NM_001371928.1 (MANE Select); coding-DNA position 2750, C replaced by T.
Protein change: p.Ala917Val; replaces alanine 917 with valine.
Molecular consequence: missense variant.
Genome position (GRCh38, 1-based): chr1:27,549,366, G>A on the plus strand (C>T on the coding strand, the complement: AHDC1 is on the minus strand). VCF-style: chr1-27549366-G-A. GRCh37 (hg19) VCF-style: chr1-27875877-G-A.
Other names: c.2750C>T, p.Ala917Val (NM_001029882.3); short protein forms A917V.
Identifiers: ClinVar variation 444163 (VCV000444163.51), dbSNP rs199652856, ClinGen allele CA715704.
Genomic context (GRCh38, chr1:27,549,366, plus strand): 5'-TCTGAAGCGGCTGGAGTTAGCCCATAGCTTGCTGCTCGTCCTGGTGGGAAGGTCTGGCGC[G>A]CGGACAGGACAGGCTGAAAGGAGGGGTCCGCCCCAGCCCCGCTGCTACCCACTGCCACTG-3'
Protein context (NP_001358857.1, residues 907-927): ADPSFQPVLS[Ala917Val]RQTFPPGRAA